The following is an entry in ClinVar:

ClinVar aggregate classification (germline): Uncertain significance (1 of 4 stars; one submission).

Conditions:
Fanconi anemia (FA). Also called: Fanconi's anemia. Identifiers: Orphanet 84, MedGen C0015625, MeSH D005199, MONDO:0019391.

Allele frequency attached by ClinVar (database versions not stated): gnomAD 0.00001; gnomAD exomes 0.00002; TOPMed 0.00002.
gnomAD v4.1: 33 of 1,613,694 alleles (0.002%); highest among the groups gnomAD compares: South Asian, 0.0033%; 1 homozygote.

Submission:

Labcorp Genetics (formerly Invitae), Labcorp
Classification: Uncertain significance for Fanconi anemia. Last evaluated: 2023-10-06. Review status: criteria provided, single submitter. Criteria: Invitae Variant Classification Sherloc (09022015). Collection method: clinical testing. Allele origin: germline.
Comment: This sequence change replaces lysine, which is basic and polar, with threonine, which is neutral and polar, at codon 847 of the FANCA protein (p.Lys847Thr). This variant is not present in population databases (gnomAD no frequency). This variant has not been reported in the literature in individuals affected with FANCA-related conditions. Advanced modeling of protein sequence and biophysical properties (such as structural, functional, and spatial information, amino acid conservation, physicochemical variation, residue mobility, and thermodynamic stability) performed at Invitae indicates that this missense variant is expected to disrupt FANCA protein function. Algorithms developed to predict the effect of sequence changes on RNA splicing suggest that this variant may create or strengthen a splice site. In summary, the available evidence is currently insufficient to determine the role of this variant in disease. Therefore, it has been classified as a Variant of Uncertain Significance.

NM_000135.4(FANCA):c.2540A>C (p.Lys847Thr)

Gene: FANCA (FA complementation group A; minus strand). Cytogenetic location: 16q24.3.
Variant type: single nucleotide variant.
Coding change: c.2540A>C on transcript NM_000135.4 (MANE Select); coding-DNA position 2540, A replaced by C.
Protein change: p.Lys847Thr; replaces lysine 847 with threonine.
Molecular consequence: missense variant.
Genome position (GRCh38, 1-based): chr16:89,767,202, T>G on the plus strand (A>C on the coding strand, the complement: FANCA is on the minus strand). VCF-style: chr16-89767202-T-G. GRCh37 (hg19) VCF-style: chr16-89833610-T-G.
Other names: c.2540A>C, p.Lys847Thr (NM_001286167.3); short protein forms K847T.
Identifiers: ClinVar variation 2916386 (VCV002916386.1), dbSNP rs1430370721, ClinGen allele CA397440700.